The following is an entry in ClinVar:

NM_001843.4(CNTN1):c.2284C>T (p.Pro762Ser)

Gene: CNTN1 (contactin 1; plus strand). Cytogenetic location: 12q12.
Variant type: single nucleotide variant.
Coding change: c.2284C>T on transcript NM_001843.4 (MANE Select); coding-DNA position 2284, C replaced by T.
Protein change: p.Pro762Ser; replaces proline 762 with serine.
Molecular consequence: missense variant.
Genome position (GRCh38, 1-based): chr12:41,016,781, C>T. VCF-style: chr12-41016781-C-T. GRCh37 (hg19) VCF-style: chr12-41410583-C-T.
Other names: c.2251C>T, p.Pro751Ser (NM_175038.2); short protein forms P762S, P751S.
Identifiers: ClinVar variation 469418 (VCV000469418.9), dbSNP rs566695601, ClinGen allele CA6517099.

ClinVar aggregate classification (germline): Uncertain significance (1 of 4 stars; one submission).

Conditions:
Compton-North congenital myopathy (CMYO12). Identifiers: Orphanet 210163, MedGen C2675527, MONDO:0012929, OMIM 612540.

Allele frequency attached by ClinVar (database versions not stated): ExAC 0.00002; 1000 Genomes Project 30x 0.00016; 1000 Genomes Project 0.00020; gnomAD exomes 0.00003.
gnomAD v4.1: 18 of 1,614,084 alleles (0.0011%); highest among the groups gnomAD compares: Non-Finnish European, 0.0014%; no homozygotes.

Submission:

Labcorp Genetics (formerly Invitae), Labcorp
Classification: Uncertain significance for Compton-North congenital myopathy. Last evaluated: 2023-06-13. Review status: criteria provided, single submitter. Criteria: Invitae Variant Classification Sherloc (09022015). Collection method: clinical testing. Allele origin: germline.
Comment: ClinVar contains an entry for this variant (Variation ID: 469418). In summary, the available evidence is currently insufficient to determine the role of this variant in disease. Therefore, it has been classified as a Variant of Uncertain Significance. Advanced modeling of protein sequence and biophysical properties (such as structural, functional, and spatial information, amino acid conservation, physicochemical variation, residue mobility, and thermodynamic stability) performed at Invitae indicates that this missense variant is not expected to disrupt CNTN1 protein function. This variant has not been reported in the literature in individuals affected with CNTN1-related conditions. This variant is present in population databases (rs566695601, gnomAD 0.007%). This sequence change replaces proline, which is neutral and non-polar, with serine, which is neutral and polar, at codon 762 of the CNTN1 protein (p.Pro762Ser).